The following is an entry in ClinVar:

NM_006254.4(PRKCD):c.1213G>T (p.Ala405Ser)

Gene: PRKCD (protein kinase C delta; plus strand). Cytogenetic location: 3p21.1.
Variant type: single nucleotide variant.
Coding change: c.1213G>T on transcript NM_006254.4 (MANE Select); coding-DNA position 1213, G replaced by T.
Protein change: p.Ala405Ser; replaces alanine 405 with serine.
Molecular consequence: missense variant.
Genome position (GRCh38, 1-based): chr3:53,186,293, G>T. VCF-style: chr3-53186293-G-T. GRCh37 (hg19) VCF-style: chr3-53220309-G-T.
Other names: c.1213G>T, p.Ala405Ser (NM_001354679.2, NM_001354680.2, NM_212539.2 and 1 more transcripts); c.1270G>T, p.Ala424Ser (NM_001354676.2); c.1261G>T, p.Ala421Ser (NM_001354678.2); short protein forms A405S, A424S, A421S.
Identifiers: ClinVar variation 2884021 (VCV002884021.3), dbSNP rs150331740, ClinGen allele CA353221953.

ClinVar aggregate classification (germline): Uncertain significance (1 of 4 stars; one submission).

Conditions:
Autoimmune lymphoproliferative syndrome, type III caused by mutation in PRKCD. Identifiers: Orphanet 3261, Orphanet 664711, MedGen C3809928, MONDO:8000024, OMIM 615559.

gnomAD v4.1: 4 of 1,614,154 alleles (0.00025%); highest among the groups gnomAD compares: Admixed American, 0.0017%; no homozygotes.

Submission:

Labcorp Genetics (formerly Invitae), Labcorp
Classification: Uncertain significance for Autoimmune lymphoproliferative syndrome, type III caused by mutation in PRKCD. Last evaluated: 2024-12-09. Review status: criteria provided, single submitter. Criteria: Invitae Variant Classification Sherloc (09022015). Collection method: clinical testing. Allele origin: germline.
Comment: This sequence change replaces alanine, which is neutral and non-polar, with serine, which is neutral and polar, at codon 405 of the PRKCD protein (p.Ala405Ser). This variant is not present in population databases (gnomAD no frequency). This variant has not been reported in the literature in individuals affected with PRKCD-related conditions. ClinVar contains an entry for this variant (Variation ID: 2884021). An algorithm developed to predict the effect of missense changes on protein structure and function outputs the following: PolyPhen-2: "Benign". The serine amino acid residue is found in multiple mammalian species, which suggests that this missense change does not adversely affect protein function. In summary, the available evidence is currently insufficient to determine the role of this variant in disease. Therefore, it has been classified as a Variant of Uncertain Significance.